The following is an entry in ClinVar:

NM_000257.4(MYH7):c.3522G>A (p.Met1174Ile)

Gene: MYH7 (myosin heavy chain 7; minus strand). Cytogenetic location: 14q11.2.
Variant type: single nucleotide variant.
Coding change: c.3522G>A on transcript NM_000257.4 (MANE Select); coding-DNA position 3522, G replaced by A.
Protein change: p.Met1174Ile; replaces methionine 1174 with isoleucine.
Molecular consequence: missense variant.
Genome position (GRCh38, 1-based): chr14:23,420,049, C>T on the plus strand (G>A on the coding strand, the complement: MYH7 is on the minus strand). VCF-style: chr14-23420049-C-T. GRCh37 (hg19) VCF-style: chr14-23889258-C-T.
Other names: c.3522G>A, p.Met1174Ile (NM_001407004.1); short protein forms M1174I.
Identifiers: ClinVar variation 3636019 (VCV003636019.2).

ClinVar aggregate classification (germline): Uncertain significance (1 of 4 stars; one submission).

Conditions:
Hypertrophic cardiomyopathy. Also called: HYPERTROPHIC MYOCARDIOPATHY. Identifiers: Orphanet 217569, MedGen C0007194, MeSH D002312, MONDO:0005045, HP:0001639.

Submission:

Labcorp Genetics (formerly Invitae), Labcorp
Classification: Uncertain significance for Hypertrophic cardiomyopathy. Last evaluated: 2024-06-11. Review status: criteria provided, single submitter. Criteria: Invitae Variant Classification Sherloc (09022015). Collection method: clinical testing. Allele origin: germline.
Comment: This sequence change replaces methionine, which is neutral and non-polar, with isoleucine, which is neutral and non-polar, at codon 1174 of the MYH7 protein (p.Met1174Ile). This variant is not present in population databases (gnomAD no frequency). This variant has not been reported in the literature in individuals affected with MYH7-related conditions. Advanced modeling of protein sequence and biophysical properties (such as structural, functional, and spatial information, amino acid conservation, physicochemical variation, residue mobility, and thermodynamic stability) performed at Invitae indicates that this missense variant is not expected to disrupt MYH7 protein function with a negative predictive value of 95%. In summary, the available evidence is currently insufficient to determine the role of this variant in disease. Therefore, it has been classified as a Variant of Uncertain Significance.